The following is an entry in ClinVar:

ClinVar aggregate classification (germline): Uncertain significance. Review status: criteria provided, multiple submitters, no conflicts (2 of 4 stars). 5 submissions from 5 submitters: Uncertain significance (5). Last evaluated 2025-03-04.

Conditions:
Hereditary nonpolyposis colorectal neoplasms. Identifiers: MedGen C0009405, MeSH D003123.
Hereditary cancer-predisposing syndrome. Also called: Tumor predisposition; Hereditary Cancer Syndrome; Neoplastic Syndromes, Hereditary; Hereditary neoplastic syndrome. Identifiers: Orphanet 140162, MedGen C0027672, MeSH D009386, MONDO:0015356.
Lynch syndrome 4 (LYNCH4). Also called: Colorectal cancer, hereditary nonpolyposis, type 4; Hereditary non-polyposis colorectal cancer, type 4. Identifiers: Orphanet 144, MedGen C1838333, MONDO:0013699, OMIM 614337. Disease mechanism: loss of function.

gnomAD v4.1: 1 of 1,603,180 alleles (0.000062%); highest among the groups gnomAD compares: Non-Finnish European, 0.000085%; no homozygotes.

Submissions (5):

Center for Genomic Medicine, Rigshospitalet, Copenhagen University Hospital
Classification: Uncertain significance. Last evaluated: 2025-03-04. Review status: criteria provided, single submitter. Criteria: ACMG Guidelines, 2015. Collection method: clinical testing. Allele origin: germline.

Ambry Genetics
Classification: Uncertain significance for Hereditary cancer-predisposing syndrome. Last evaluated: 2024-11-18. Review status: criteria provided, single submitter. Criteria: Ambry Variant Classification Scheme 2023. Collection method: clinical testing. Allele origin: germline.
Comment: The p.T99S variant (also known as c.296C>G), located in coding exon 4 of the PMS2 gene, results from a C to G substitution at nucleotide position 296. The threonine at codon 99 is replaced by serine, an amino acid with similar properties. This amino acid position is not well conserved in available vertebrate species. In addition, the in silico prediction for this alteration is inconclusive. Based on the available evidence, the clinical significance of this variant remains unclear.

Color Diagnostics, LLC DBA Color Health
Classification: Uncertain significance for Hereditary cancer-predisposing syndrome. Last evaluated: 2024-04-07. Review status: criteria provided, single submitter. Criteria: ACMG Guidelines, 2015. Collection method: clinical testing. Allele origin: germline.
Comment: This missense variant replaces threonine with serine at codon 99 of the PMS2 protein. Computational prediction suggests that this variant may not impact protein structure and function (internally defined REVEL score threshold <= 0.5, PMID: 27666373). To our knowledge, functional studies have not been reported for this variant. This variant has not been reported in individuals affected with PMS2-related disorders in the literature. This variant has not been identified in the general population by the Genome Aggregation Database (gnomAD). The available evidence is insufficient to determine the role of this variant in disease conclusively. Therefore, this variant is classified as a Variant of Uncertain Significance.

Molecular Pathology, Peter Maccallum Cancer Centre
Classification: Uncertain significance for Lynch syndrome 4. Last evaluated: 2024-01-24. Review status: criteria provided, single submitter. Criteria: ACMG Guidelines, 2015. Collection method: clinical testing. Allele origin: germline. Inheritance: Autosomal dominant inheritance.

Labcorp Genetics (formerly Invitae), Labcorp
Classification: Uncertain significance for Hereditary nonpolyposis colorectal neoplasms. Last evaluated: 2022-08-26. Review status: criteria provided, single submitter. Criteria: Invitae Variant Classification Sherloc (09022015). Collection method: clinical testing. Allele origin: germline.
Comment: Advanced modeling of protein sequence and biophysical properties (such as structural, functional, and spatial information, amino acid conservation, physicochemical variation, residue mobility, and thermodynamic stability) performed at Invitae indicates that this missense variant is not expected to disrupt PMS2 protein function. ClinVar contains an entry for this variant (Variation ID: 822396). This variant has not been reported in the literature in individuals affected with PMS2-related conditions. This variant is not present in population databases (gnomAD no frequency). This sequence change replaces threonine, which is neutral and polar, with serine, which is neutral and polar, at codon 99 of the PMS2 protein (p.Thr99Ser). In summary, the available evidence is currently insufficient to determine the role of this variant in disease. Therefore, it has been classified as a Variant of Uncertain Significance.

NM_000535.7(PMS2):c.296C>G (p.Thr99Ser)

Gene: PMS2 (PMS1 homolog 2, mismatch repair system component; minus strand). Cytogenetic location: 7p22.1.
Variant type: single nucleotide variant.
Coding change: c.296C>G on transcript NM_000535.7 (MANE Select); coding-DNA position 296, C replaced by G.
Protein change: p.Thr99Ser; replaces threonine 99 with serine.
Molecular consequence: missense variant. On other transcripts: 5 prime UTR variant (9), non-coding transcript variant (1), intron variant (2).
Genome position (GRCh38, 1-based): chr7:6,003,747, G>C on the plus strand (C>G on the coding strand, the complement: PMS2 is on the minus strand). VCF-style: chr7-6003747-G-C. GRCh37 (hg19) VCF-style: chr7-6043378-G-C.
Other names: c.-110C>G (NM_001322003.2, NM_001322004.2, NM_001322005.2 and 3 more transcripts); c.296C>G, p.Thr99Ser (NM_001322006.2, NM_001322014.2); c.-589C>G (NM_001322011.2, NM_001322012.2); c.-189C>G (NM_001322015.2); c.35+225C>G (NM_001322008.2, NM_001322007.2); short protein forms T99S.
Identifiers: ClinVar variation 822396 (VCV000822396.21), dbSNP rs786202835, ClinGen allele CA366744634.
Genomic context (GRCh38, chr7:6,003,747, plus strand): 5'-CACCTCAGTGCACAAAGTGAGCTCAGAGCTTCCCCCCGAAAGCCAAAAGTTTCAACCTGA[G>C]TTAGGTCGGCAAACTCTTGAATCTTAGATGTGTGATGTTTCAGAGCTGAAAGAGAGTGTA-3'
Protein context (NP_000526.2, residues 89-109): TSKIQEFADL[Thr99Ser]QVETFGFRGE